The following is an entry in ClinVar:

NM_002016.2(FLG):c.149A>G (p.Asp50Gly)

Genes: CCDST (cervical cancer associated DHX9 suppressive transcript; plus strand), FLG (filaggrin; minus strand). Cytogenetic location: 1q21.3.
Variant type: single nucleotide variant.
Coding change: c.149A>G on transcript NM_002016.2 (MANE Select); coding-DNA position 149, A replaced by G.
Protein change: p.Asp50Gly; replaces aspartic acid 50 with glycine.
Molecular consequence: missense variant. On other transcripts: non-coding transcript variant (1).
Genome position (GRCh38, 1-based): chr1:152,314,737, T>C on the plus strand (A>G on the coding strand, the complement: FLG is on the minus strand). VCF-style: chr1-152314737-T-C. GRCh37 (hg19) VCF-style: chr1-152287213-T-C.
Other names: short protein forms D50G.
Identifiers: ClinVar variation 1235459 (VCV001235459.6), dbSNP rs115489580, ClinGen allele CA1108073.
Genomic context (GRCh38, chr1:152,314,737, plus strand): 5'-TCAATTTTCTTGTTGTGGTCTATATCCAAGTGATCCATGAAGACATCAACCATATCTGGG[T>C]CATCTGGATTCTGTACAGAGGGAAGTCACAGAGGGAGACTGCATCAGACAGAATCACATT-3'
Protein context (NP_002007.1, residues 40-60): EFRQILKNPD[Asp50Gly]PDMVDVFMDH

ClinVar aggregate classification (germline): Benign. Review status: criteria provided, multiple submitters, no conflicts (2 of 4 stars). 3 submissions from 3 submitters: Benign (2). 1 of the submissions does not count toward it. Last evaluated 2019-02-04.

Conditions:
FLG-related disorder. Also called: FLG-related condition; FLG-related disorders.

Allele frequency attached by ClinVar (database versions not stated): gnomAD exomes 0.00139 and 0.00377; ExAC 0.00439; 1000 Genomes Project 0.01298; 1000 Genomes Project 30x 0.01312; gnomAD 0.01492 and 0.01609; ESP Exome Variant Server 0.01550; TOPMed 0.01678.
gnomAD v4.1: 4,374 of 1,613,848 alleles (0.27%); highest among the groups gnomAD compares: African/African-American, 5.1%; 101 homozygotes.

Submissions (3):

GeneDx
Classification: Benign. Last evaluated: 2019-02-04. Review status: criteria provided, single submitter. Criteria: GeneDx Variant Classification Process June 2021. Collection method: clinical testing. Allele origin: germline. Affected: yes.

Breakthrough Genomics
Classification: Benign. Review status: criteria provided, single submitter. Criteria: ACMG Guidelines, 2015. Collection method: not provided. Allele origin: germline. Inheritance: Autosomal dominant inheritance. Affected: yes.

PreventionGenetics, part of Exact Sciences
Classification: Benign for FLG-related condition. Last evaluated: 2019-11-08. Review status: no assertion criteria provided. Collection method: clinical testing. Allele origin: germline. Not counted in ClinVar's aggregate classification.
Comment: This variant is classified as benign based on ACMG/AMP sequence variant interpretation guidelines (Richards et al. 2015 PMID: 25741868, with internal and published modifications).